The following is an entry in ClinVar:

ClinVar aggregate classification (germline): Uncertain significance. Review status: criteria provided, multiple submitters, no conflicts (2 of 4 stars). 3 submissions from 3 submitters: Uncertain significance (3). Last evaluated 2023-09-18.

Conditions:
Charcot-Marie-Tooth disease type 2D (CMT2D). Also called: CHARCOT-MARIE-TOOTH DISEASE, AXONAL, TYPE 2D; CHARCOT-MARIE-TOOTH DISEASE, NEURONAL, TYPE 2D; Charcot-Marie-Tooth Neuropathy Type 2D; GARS1 Adolescent- or Early Adult-Onset Hereditary Motor/Sensory Neuropathy (GARS1-HMSN). Identifiers: Orphanet 99938, MedGen C1832274, MONDO:0011091, OMIM 601472.
Charcot-Marie-Tooth disease type 2. Also called: Charcot-Marie-Tooth type 2. Identifiers: Orphanet 64746, MedGen C0270914, MONDO:0018993.

Allele frequency attached by ClinVar (database versions not stated): gnomAD exomes 0.00001.
gnomAD v4.1: 6 of 1,613,864 alleles (0.00037%); highest among the groups gnomAD compares: Non-Finnish European, 0.00051%; no homozygotes.

Submissions (3):

Human Genetics Bochum, Ruhr University Bochum
Classification: Uncertain significance for Charcot-Marie-Tooth disease type 2D. Last evaluated: 2023-09-18. Review status: criteria provided, single submitter. Criteria: ACMG Guidelines, 2015. Collection method: clinical testing. Allele origin: germline. Affected: yes.
Comment: ACMG criteria used to clasify this variant: PP2, PP3

Ambry Genetics
Classification: Uncertain significance. Last evaluated: 2022-07-16. Review status: criteria provided, single submitter. Criteria: Ambry Variant Classification Scheme 2023. Collection method: clinical testing. Allele origin: germline.
Comment: The p.P485L variant (also known as c.1454C>T), located in coding exon 11 of the GARS gene, results from a C to T substitution at nucleotide position 1454. The proline at codon 485 is replaced by leucine, an amino acid with similar properties. This amino acid position is conserved. In addition, this alteration is predicted to be tolerated by in silico analysis. Since supporting evidence is limited at this time, the clinical significance of this alteration remains unclear.

Labcorp Genetics (formerly Invitae), Labcorp
Classification: Uncertain significance for Charcot-Marie-Tooth disease type 2. Last evaluated: 2019-10-17. Review status: criteria provided, single submitter. Criteria: Invitae Variant Classification Sherloc (09022015). Collection method: clinical testing. Allele origin: germline.
Comment: This sequence change replaces proline with leucine at codon 485 of the GARS protein (p.Pro485Leu). The proline residue is moderately conserved and there is a moderate physicochemical difference between proline and leucine. In summary, the available evidence is currently insufficient to determine the role of this variant in disease. Therefore, it has been classified as a Variant of Uncertain Significance. Algorithms developed to predict the effect of missense changes on protein structure and function output the following: SIFT: "Tolerated"; PolyPhen-2: "Benign"; Align-GVGD: "Class C0". The leucine amino acid residue is found in multiple mammalian species, suggesting that this missense change does not adversely affect protein function. These predictions have not been confirmed by published functional studies and their clinical significance is uncertain. This variant has not been reported in the literature in individuals with GARS-related conditions. This variant is not present in population databases (ExAC no frequency).

NM_002047.4(GARS1):c.1454C>T (p.Pro485Leu)

Gene: GARS1 (glycyl-tRNA synthetase 1; plus strand). Cytogenetic location: 7p14.3.
Variant type: single nucleotide variant.
Coding change: c.1454C>T on transcript NM_002047.4 (MANE Select); coding-DNA position 1454, C replaced by T.
Protein change: p.Pro485Leu; replaces proline 485 with leucine.
Molecular consequence: missense variant.
Genome position (GRCh38, 1-based): chr7:30,621,487, C>T. VCF-style: chr7-30621487-C-T. GRCh37 (hg19) VCF-style: chr7-30661103-C-T.
Other names: c.1292C>T, p.Pro431Leu (NM_001316772.1); short protein forms P485L, P431L.
Identifiers: ClinVar variation 972132 (VCV000972132.12), dbSNP rs1159290036, ClinGen allele CA367128368.